The following is an entry in ClinVar:

NM_001458.5(FLNC):c.3004C>T (p.Arg1002Trp)

Gene: FLNC (filamin C; plus strand). Cytogenetic location: 7q32.1.
Variant type: single nucleotide variant.
Coding change: c.3004C>T on transcript NM_001458.5 (MANE Select); coding-DNA position 3004, C replaced by T.
Protein change: p.Arg1002Trp; replaces arginine 1002 with tryptophan.
Molecular consequence: missense variant.
Genome position (GRCh38, 1-based): chr7:128,844,078, C>T. VCF-style: chr7-128844078-C-T. GRCh37 (hg19) VCF-style: chr7-128484132-C-T.
Other names: c.3004C>T, p.Arg1002Trp (NM_001127487.2); short protein forms R1002W.
Identifiers: ClinVar variation 950591 (VCV000950591.16), dbSNP rs555764780, ClinGen allele CA166177564.
Genomic context (GRCh38, chr7:128,844,078, plus strand): 5'-CAGGAACAAGCATTCTCTGTGAACACACGAGGGGCTGGCGGTCAGGGCCAACTGGATGTG[C>T]GGATGACTTCGCCCTCTCGCCGGCCCATCCCCTGCAAGCTGGAGCCAGGCGGTGGAGCGG-3'
Protein context (NP_001449.3, residues 992-1012): GAGGQGQLDV[Arg1002Trp]MTSPSRRPIP

ClinVar aggregate classification (germline): Uncertain significance. Review status: criteria provided, multiple submitters, no conflicts (2 of 4 stars). 5 submissions from 5 submitters: Uncertain significance (5). Last evaluated 2025-12-16.

Conditions:
Myofibrillar myopathy 5. Also called: FILAMINOPATHY, AUTOSOMAL DOMINANT; Filaminopathy (type). Identifiers: Orphanet 171445, MedGen C1836050, MONDO:0012289, OMIM 609524.
Distal myopathy with posterior leg and anterior hand involvement. Also called: WILLIAMS DISTAL MYOPATHY. Identifiers: Orphanet 63273, MedGen C3279722, MONDO:0013550, OMIM 614065.
Hypertrophic cardiomyopathy 26. Also called: Cardiomyopathy, familial hypertrophic, 26. Identifiers: Orphanet 75249, MedGen C4310749, MONDO:0014883, OMIM 617047.
Cardiovascular phenotype. Identifiers: MedGen CN230736.

Allele frequency attached by ClinVar (database versions not stated): gnomAD exomes 0.00001; gnomAD 0.00003 and 0.00004; TOPMed 0.00006.
gnomAD v4.1: 48 of 1,613,908 alleles (0.003%); highest among the groups gnomAD compares: Middle Eastern, 0.016%; no homozygotes.

Submissions (5):

Labcorp Genetics (formerly Invitae), Labcorp
Classification: Uncertain significance for Distal myopathy with posterior leg and anterior hand involvement; Myofibrillar myopathy 5; Hypertrophic cardiomyopathy 26. Last evaluated: 2025-12-16. Review status: criteria provided, single submitter. Criteria: Invitae Variant Classification Sherloc (09022015). Collection method: clinical testing. Allele origin: germline.
Comment: This sequence change replaces arginine, which is basic and polar, with tryptophan, which is neutral and slightly polar, at codon 1002 of the FLNC protein (p.Arg1002Trp). This variant is present in population databases (rs555764780, gnomAD 0.01%). This missense change has been observed in individual(s) with dilated cardiomyopathy and/or hypertrophic cardiomyopathy (PMID: 33957110, 37298070). ClinVar contains an entry for this variant (Variation ID: 950591). Invitae Evidence Modeling of protein sequence and biophysical properties (such as structural, functional, and spatial information, amino acid conservation, physicochemical variation, residue mobility, and thermodynamic stability) has been performed for this missense variant. However, the output from this modeling did not meet the statistical confidence thresholds required to predict the impact of this variant on FLNC protein function. In summary, the available evidence is currently insufficient to determine the role of this variant in disease. Therefore, it has been classified as a Variant of Uncertain Significance.

Ambry Genetics
Classification: Uncertain significance for Cardiovascular phenotype. Last evaluated: 2025-10-28. Review status: criteria provided, single submitter. Criteria: Ambry Variant Classification Scheme 2023. Collection method: clinical testing. Allele origin: germline.
Comment: The p.R1002W variant (also known as c.3004C>T), located in coding exon 20 of the FLNC gene, results from a C to T substitution at nucleotide position 3004. The arginine at codon 1002 is replaced by tryptophan, an amino acid with dissimilar properties. This variant was reported in individual(s) with features consistent with hypertrophic cardiomyopathy (HCM) (Flenner F et al. J Mol Cell Cardiol, 2021 Aug;157:77-89). This amino acid position is not well conserved in available vertebrate species. In addition, the in silico prediction for this alteration is inconclusive. Based on the available evidence, the clinical significance of this variant remains unclear.

Women's Health and Genetics/Laboratory Corporation of America, LabCorp
Classification: Uncertain significance. Last evaluated: 2025-04-18. Review status: criteria provided, single submitter. Criteria: LabCorp Variant Classification Summary - May 2015. Collection method: clinical testing. Allele origin: germline.
Comment: Variant summary: FLNC c.3004C>T (p.Arg1002Trp) results in a non-conservative amino acid change in the encoded protein sequence. Five of five in-silico tools predict a damaging effect of the variant on protein function. The variant allele was found at a frequency of 1.2e-05 in 248938 control chromosomes (gnomAD). The available data on variant occurrences in the general population are insufficient to allow any conclusion about variant significance. c.3004C>T has been observed in individuals affected with Hypertrophic cardiomyopathy or Dilated Cardiomyopathy (Flenner_2021, Mansoori_2023). These reports do not provide unequivocal conclusions about association of the variant with Dilated Cardiomyopathy. To our knowledge, no experimental evidence demonstrating an impact on protein function has been reported. The following publications have been ascertained in the context of this evaluation (PMID: 33957110, 37298070). ClinVar contains an entry for this variant (Variation ID: 950591). Based on the evidence outlined above, the variant was classified as uncertain significance.

Revvity Omics, Revvity
Classification: Uncertain significance. Last evaluated: 2023-08-10. Review status: criteria provided, single submitter. Criteria: ACMG Guidelines, 2015. Collection method: clinical testing. Allele origin: germline.

Fulgent Genetics
Classification: Uncertain significance for Myofibrillar myopathy 5; Distal myopathy with posterior leg and anterior hand involvement; Hypertrophic cardiomyopathy 26. Last evaluated: 2021-11-03. Review status: criteria provided, single submitter. Criteria: ACMG Guidelines, 2015. Collection method: clinical testing. Allele origin: unknown.

Literature cited by the submitters: PubMed 33957110 (cited by 3 submitters); PubMed 37298070 (cited by Labcorp Genetics (formerly Invitae), Labcorp and Women's Health and Genetics/Laboratory Corporation of America, LabCorp).